The following is an entry in ClinVar:

NM_001378452.1(ITPR1):c.8269C>G (p.Pro2757Ala)

Gene: ITPR1 (inositol 1,4,5-trisphosphate receptor type 1; plus strand). Cytogenetic location: 3p26.1.
Variant type: single nucleotide variant.
Coding change: c.8269C>G on transcript NM_001378452.1 (MANE Select); coding-DNA position 8269, C replaced by G.
Protein change: p.Pro2757Ala; replaces proline 2757 with alanine.
Molecular consequence: missense variant.
Genome position (GRCh38, 1-based): chr3:4,846,217, C>G. VCF-style: chr3-4846217-C-G. GRCh37 (hg19) VCF-style: chr3-4887901-C-G.
Other names: c.8125C>G, p.Pro2709Ala (NM_001099952.4); c.8224C>G, p.Pro2742Ala (NM_001168272.2); c.8080C>G, p.Pro2694Ala (NM_002222.7); short protein forms P2694A, P2757A, P2709A, P2742A.
Identifiers: ClinVar variation 2702196 (VCV002702196.3), dbSNP rs1314021980, ClinGen allele CA351794940.

ClinVar aggregate classification (germline): Uncertain significance (1 of 4 stars; one submission).

Submission:

Labcorp Genetics (formerly Invitae), Labcorp
Classification: Uncertain significance. Last evaluated: 2023-12-11. Review status: criteria provided, single submitter. Criteria: Invitae Variant Classification Sherloc (09022015). Collection method: clinical testing. Allele origin: germline.
Comment: This sequence change replaces proline, which is neutral and non-polar, with alanine, which is neutral and non-polar, at codon 2694 of the ITPR1 protein (p.Pro2694Ala). This variant is not present in population databases (gnomAD no frequency). This variant has not been reported in the literature in individuals affected with ITPR1-related conditions. Advanced modeling of protein sequence and biophysical properties (such as structural, functional, and spatial information, amino acid conservation, physicochemical variation, residue mobility, and thermodynamic stability) has been performed at Invitae for this missense variant, however the output from this modeling did not meet the statistical confidence thresholds required to predict the impact of this variant on ITPR1 protein function. In summary, the available evidence is currently insufficient to determine the role of this variant in disease. Therefore, it has been classified as a Variant of Uncertain Significance.